The following is an entry in ClinVar:

ClinVar aggregate classification (germline): Uncertain significance (1 of 4 stars; one submission).

Submission:

GeneDx
Classification: Uncertain significance. Last evaluated: 2023-03-19. Review status: criteria provided, single submitter. Criteria: GeneDx Variant Classification Process June 2021. Collection method: clinical testing. Allele origin: germline. Affected: yes.
Comment: Nonsense variant predicted to result in protein truncation or nonsense mediated decay in a gene or region of a gene for which loss of function is not a well-established mechanism of disease; Not observed at significant frequency in large population cohorts (gnomAD); Has not been previously published as pathogenic or benign to our knowledge

NM_001999.4(FBN2):c.6894T>A (p.Cys2298Ter)

Gene: FBN2 (fibrillin 2; minus strand). Cytogenetic location: 5q23.3.
Variant type: single nucleotide variant.
Coding change: c.6894T>A on transcript NM_001999.4 (MANE Select); coding-DNA position 6894, T replaced by A.
Protein change: p.Cys2298Ter; replaces cysteine 2298 with a stop codon.
Molecular consequence: nonsense.
Genome position (GRCh38, 1-based): chr5:128,286,836, A>T on the plus strand (T>A on the coding strand, the complement: FBN2 is on the minus strand). VCF-style: chr5-128286836-A-T. GRCh37 (hg19) VCF-style: chr5-127622528-A-T.
Other names: short protein forms C2298*.
Identifiers: ClinVar variation 2580496 (VCV002580496.1), dbSNP rs148754934, ClinGen allele CA360759245.